The following is an entry in ClinVar:

ClinVar aggregate classification (germline): Uncertain significance (1 of 4 stars; one submission).

Conditions:
Familial focal epilepsy with variable foci (FPEVF). Identifiers: Orphanet 98820, MedGen C1858477, MONDO:0020310.

Submission:

Labcorp Genetics (formerly Invitae), Labcorp
Classification: Uncertain significance for Familial focal epilepsy with variable foci. Last evaluated: 2022-03-18. Review status: criteria provided, single submitter. Criteria: Invitae Variant Classification Sherloc (09022015). Collection method: clinical testing. Allele origin: germline.
Comment: This variant is not present in population databases (gnomAD no frequency). This sequence change replaces glutamic acid, which is acidic and polar, with aspartic acid, which is acidic and polar, at codon 1046 of the DEPDC5 protein (p.Glu1046Asp). This variant has not been reported in the literature in individuals affected with DEPDC5-related conditions. Algorithms developed to predict the effect of missense changes on protein structure and function are either unavailable or do not agree on the potential impact of this missense change (SIFT: "Tolerated"; PolyPhen-2: "Not Available"; Align-GVGD: "Class C0"). In summary, the available evidence is currently insufficient to determine the role of this variant in disease. Therefore, it has been classified as a Variant of Uncertain Significance.

NM_001242896.3(DEPDC5):c.3138G>T (p.Glu1046Asp)

Gene: DEPDC5 (DEP domain containing 5, GATOR1 subcomplex subunit; plus strand). Cytogenetic location: 22q12.3.
Variant type: single nucleotide variant.
Coding change: c.3138G>T on transcript NM_001242896.3 (MANE Select); coding-DNA position 3138, G replaced by T.
Protein change: p.Glu1046Asp; replaces glutamic acid 1046 with aspartic acid.
Molecular consequence: missense variant. On other transcripts: non-coding transcript variant (5).
Genome position (GRCh38, 1-based): chr22:31,846,950, G>T. VCF-style: chr22-31846950-G-T. GRCh37 (hg19) VCF-style: chr22-32242936-G-T.
Other names: c.3111G>T, p.Glu1037Asp (NM_001136029.4, NM_001369903.1, NM_014662.6); c.2904G>T, p.Glu968Asp (NM_001242897.2, NM_001363854.2, NM_001364319.2); c.3138G>T, p.Glu1046Asp (NM_001363852.2, NM_001364318.2, NM_001364320.2); c.3054G>T, p.Glu1018Asp (NM_001369901.1, NM_001369902.1); short protein forms E1018D, E968D, E1037D, E1046D.
Identifiers: ClinVar variation 1496359 (VCV001496359.8), dbSNP rs2149038350, ClinGen allele CA411292371.
Genomic context (GRCh38, chr22:31,846,950, plus strand): 5'-GGAGTCAACTGCACCCCCAGTGGGGAAGAAGGGAACCTCAGCTCTCTCTGCCCTGTTGGA[G>T]ATGGAGGCCAGTCAGAAGTAAGTGCTTGGTGGAAGACTGACTTGTCCCCACCTTGACAGC-3'
Protein context (NP_001229825.1, residues 1036-1056): KGTSALSALL[Glu1046Asp]MEASQKCLGE